The following is an entry in ClinVar:

NM_019842.4(KCNQ5):c.943G>A (p.Gly315Arg)

Gene: KCNQ5 (potassium voltage-gated channel subfamily Q member 5; plus strand). Cytogenetic location: 6q13.
Variant type: single nucleotide variant.
Coding change: c.943G>A on transcript NM_019842.4 (MANE Select); coding-DNA position 943, G replaced by A.
Protein change: p.Gly315Arg; replaces glycine 315 with arginine.
Molecular consequence: missense variant.
Genome position (GRCh38, 1-based): chr6:73,105,281, G>A. VCF-style: chr6-73105281-G-A. GRCh37 (hg19) VCF-style: chr6-73815004-G-A.
Other names: c.943G>A, p.Gly315Arg (NM_001160130.2, NM_001160132.2, NM_001160133.2 and 1 more transcripts); short protein forms G315R.
Identifiers: ClinVar variation 2114171 (VCV002114171.4), dbSNP rs2533670492, ClinGen allele CA364825895.

ClinVar aggregate classification (germline): Uncertain significance (1 of 4 stars; one submission).

Submission:

Labcorp Genetics (formerly Invitae), Labcorp
Classification: Uncertain significance. Last evaluated: 2022-03-19. Review status: criteria provided, single submitter. Criteria: Invitae Variant Classification Sherloc (09022015). Collection method: clinical testing. Allele origin: germline.
Comment: In summary, the available evidence is currently insufficient to determine the role of this variant in disease. Therefore, it has been classified as a Variant of Uncertain Significance. Algorithms developed to predict the effect of sequence changes on RNA splicing suggest that this variant may disrupt the consensus splice site. Advanced modeling of protein sequence and biophysical properties (such as structural, functional, and spatial information, amino acid conservation, physicochemical variation, residue mobility, and thermodynamic stability) performed at Invitae indicates that this missense variant is expected to disrupt KCNQ5 protein function. This variant has not been reported in the literature in individuals affected with KCNQ5-related conditions. This variant is not present in population databases (gnomAD no frequency). This sequence change replaces glycine, which is neutral and non-polar, with arginine, which is basic and polar, at codon 315 of the KCNQ5 protein (p.Gly315Arg).